The following is an entry in ClinVar:

NM_000390.4(CHM):c.1272T>C (p.Gly424=)

Gene: CHM (CHM Rab escort protein; minus strand). Cytogenetic location: Xq21.2.
Variant type: single nucleotide variant.
Coding change: c.1272T>C on transcript NM_000390.4 (MANE Select); coding-DNA position 1272, T replaced by C.
Protein change: p.Gly424=; no amino-acid change (glycine 424 retained).
Molecular consequence: synonymous variant.
Genome position (GRCh38, 1-based): chrX:85,901,161, A>G on the plus strand (T>C on the coding strand, the complement: CHM is on the minus strand). VCF-style: chrX-85901161-A-G. GRCh37 (hg19) VCF-style: chrX-85156166-A-G.
Other names: c.828T>C, p.Gly276= (NM_001320959.1, NM_001362517.1, NM_001362518.2 and 1 more transcripts).
Identifiers: ClinVar variation 1081503 (VCV001081503.33), dbSNP rs764033800, ClinGen allele CA10465419.
Genomic context (GRCh38, chrX:85,901,161, plus strand): 5'-GCACATGTTCTCAGGAAAGTAACTGTCCTCCACGAGGAAATGCTCAGAGATTATTCTCTG[A>G]CCAAACTGATCTATAATTGCTTTACATCTATAAAGAAGATAAGCATACCATAAAAGTTCA-3'
Protein context (NP_000381.1, residues 414-434): RKCKAIIDQF[Gly424=]QRIISEHFLV

ClinVar aggregate classification (germline): Likely benign. Review status: criteria provided, multiple submitters, no conflicts (2 of 4 stars). 3 submissions from 3 submitters: Likely benign (3). Last evaluated 2024-03-11.

Allele frequency attached by ClinVar (database versions not stated): gnomAD 0.00001; gnomAD exomes 0.00001; ExAC 0.00002; TOPMed 0.00002.
gnomAD v4.1: 16 of 1,187,815 alleles (0.0013%); highest among the groups gnomAD compares: Middle Eastern, 0.023%; no homozygotes.

Submissions (3):

Labcorp Genetics (formerly Invitae), Labcorp
Classification: Likely benign. Last evaluated: 2024-03-11. Review status: criteria provided, single submitter. Criteria: Invitae Variant Classification Sherloc (09022015). Collection method: clinical testing. Allele origin: germline.

Blueprint Genetics
Classification: Likely benign. Last evaluated: 2024-02-14. Review status: criteria provided, single submitter. Criteria: ACMG Guidelines, 2015. Collection method: clinical testing. Allele origin: germline.

CeGaT Center for Human Genetics Tuebingen
Classification: Likely benign. Last evaluated: 2022-08-01. Review status: criteria provided, single submitter. Criteria: CeGaT Center For Human Genetics Tuebingen Variant Classification Criteria Version 2. Collection method: clinical testing. Allele origin: germline. Affected: yes. Observed: 1 variant allele.
Comment: CHM: BP4, BP7